The following is an entry in ClinVar:

NM_001367493.1(ARHGEF4):c.3811G>A (p.Val1271Ile)

Gene: ARHGEF4 (Rho guanine nucleotide exchange factor 4; plus strand). Cytogenetic location: 2q21.1.
Variant type: single nucleotide variant.
Coding change: c.3811G>A on transcript NM_001367493.1 (MANE Select); coding-DNA position 3811, G replaced by A.
Protein change: p.Val1271Ile; replaces valine 1271 with isoleucine.
Molecular consequence: missense variant.
Genome position (GRCh38, 1-based): chr2:130,931,210, G>A. VCF-style: chr2-130931210-G-A. GRCh37 (hg19) VCF-style: chr2-131688783-G-A.
Other names: c.298G>A, p.Val100Ile (NM_001375900.1); c.142G>A, p.Val48Ile (NM_001375901.1); c.253G>A, p.Val85Ile (NM_015320.4); short protein forms V100I, V1271I, V48I, V85I.
Identifiers: ClinVar variation 3059424 (VCV003059424.2), dbSNP rs61750360, ClinGen allele CA1874899.

ClinVar aggregate classification (germline): Benign (0 of 4 stars; one submission).

Conditions:
ARHGEF4-related disorder. Also called: ARHGEF4-related condition.

Allele frequency attached by ClinVar (database versions not stated): TOPMed 0.12383; ESP Exome Variant Server 0.13394; gnomAD 0.13564; 1000 Genomes Project 30x 0.13663; 1000 Genomes Project 0.13978; ExAC 0.16433; gnomAD exomes 0.17088.
gnomAD v4.1: 270,294 of 1,613,332 alleles (17%); highest among the groups gnomAD compares: South Asian, 25%; 24,155 homozygotes.

Submission:

PreventionGenetics, part of Exact Sciences
Classification: Benign for ARHGEF4-related condition. Last evaluated: 2019-10-25. Review status: no assertion criteria provided. Collection method: clinical testing. Allele origin: germline.
Comment: This variant is classified as benign based on ACMG/AMP sequence variant interpretation guidelines (Richards et al. 2015 PMID: 25741868, with internal and published modifications).